The following is an entry in ClinVar:

ClinVar aggregate classification (germline): Likely pathogenic (1 of 4 stars; one submission).

Conditions:
Ectopia lentis 2, isolated, autosomal recessive (ECTOL2). Identifiers: Orphanet 1885, MedGen C3541474, MONDO:0009152, OMIM 225100.

Submission:

Genetics and Molecular Pathology, SA Pathology
Classification: Likely pathogenic for Ectopia lentis 2, isolated, autosomal recessive. Last evaluated: 2021-07-14. Review status: criteria provided, single submitter. Criteria: ACMG Guidelines, 2015. Collection method: clinical testing. Allele origin: germline. Inheritance: Autosomal recessive inheritance. Affected: yes.
Comment: The ADAMTSL4 c.2493del variant is classified as a LIKELY PATHOGENIC VARIANT (PVS1, PM2) This variant is a single base pair deletion in exon 15 of the ADAMTSL4 gene which results in a frameshifts starting with codon Serine 832, changes this amino acid to an Alanine residue, and creates a premature STOP codon at position 116 of the new reading frame, denoted p.S832AfsX116. The variant is predicted to cause loss of normal protein function either through protein truncation or nonsense-mediated mRNA decay (PVS1). This variant has not been reported in dbSNP and is absent from population databases (PM2). The variant has not been reported in the ClinVar or HGMD disease databases.

NM_019032.6(ADAMTSL4):c.2493del (p.Ser832fs)

Gene: ADAMTSL4 (ADAMTS like 4; plus strand). Cytogenetic location: 1q21.2.
Variant type: Deletion.
Coding change: c.2493del on transcript NM_019032.6 (MANE Select); coding-DNA position 2493, one base deleted (C; older notation c.2493delC).
Protein change: p.Ser832fs; shifts the reading frame from serine 832.
Molecular consequence: frameshift variant.
Genome position (GRCh38, 1-based): chr1:150,558,583, C deleted; the last of 6 consecutive C bases (chr1:150,558,578-150,558,583); deleting any one gives the same sequence. VCF-style (leftmost placement, unchanged base first): chr1-150558577-GC-G. GRCh37 (hg19) VCF-style: chr1-150531053-GC-G.
Other names: c.2376del, p.Ser793fs (NM_001288607.2); c.2562del, p.Ser855fs (NM_001288608.2); c.2493del, p.Ser832fs (NM_001378596.1, NM_025008.5); short protein forms S793fs, S832fs, S855fs.
Identifiers: ClinVar variation 1698790 (VCV001698790.2), dbSNP rs763535661, ClinGen allele CA2017997734.
Genomic context (GRCh38, chr1:150,558,577, plus strand): 5'-CTGTGTTGGGAACAATGGTGATGAAGTGAGCGAGCAGGAGTGTGCGTCAGGCCCCCCGCA[GC>G]CCCCCAGCAGAGAGGCCTGTGACATGGGGCCCTGTACTACTGCCTGGTTCCACAGCGACT-3'